The following is an entry in ClinVar:

NM_001134831.2(AHI1):c.1337_1338delinsAT (p.Phe446Tyr)

Gene: AHI1 (Abelson helper integration site 1; minus strand). Cytogenetic location: 6q23.3.
Variant type: Indel.
Coding change: c.1337_1338delinsAT on transcript NM_001134831.2 (MANE Select); coding-DNA positions 1337 to 1338, TC replaced by AT.
Protein change: p.Phe446Tyr; replaces phenylalanine 446 with tyrosine.
Molecular consequence: missense variant.
Genome position (GRCh38, 1-based): chr6:135,455,740-135,455,741, GA replaced by AT on the plus strand (TC replaced by AT on the coding strand, the reverse complement: AHI1 is on the minus strand). VCF-style: chr6-135455740-GA-AT. GRCh37 (hg19) VCF-style: chr6-135776878-GA-AT.
Other names: c.1337_1338delinsAT, p.Phe446Tyr (NM_001134830.2, NM_001134832.2, NM_001350503.2 and 2 more transcripts); short protein forms F446Y.
Identifiers: ClinVar variation 1378707 (VCV001378707.6), dbSNP rs2128077085, ClinGen allele CA2573140539.

ClinVar aggregate classification (germline): Uncertain significance (1 of 4 stars; one submission).

Conditions:
Joubert syndrome. Also called: CEREBELLOPARENCHYMAL DISORDER IV; JOUBERT-BOLTSHAUSER SYNDROME; Familial aplasia of the vermis. Identifiers: Orphanet 475, MedGen C5979921, MONDO:0018772.

Submission:

Labcorp Genetics (formerly Invitae), Labcorp
Classification: Uncertain significance for Joubert syndrome. Last evaluated: 2021-08-30. Review status: criteria provided, single submitter. Criteria: Invitae Variant Classification Sherloc (09022015). Collection method: clinical testing. Allele origin: germline.
Comment: In summary, the available evidence is currently insufficient to determine the role of this variant in disease. Therefore, it has been classified as a Variant of Uncertain Significance. Algorithms developed to predict the effect of missense changes on protein structure and function are either unavailable or do not agree on the potential impact of this missense change (SIFT: "Not Available"; PolyPhen-2: "Benign"; Align-GVGD: "Not Available"). This variant has not been reported in the literature in individuals affected with AHI1-related conditions. The frequency data for this variant in the population databases is not available, as this variant may be reported as separate entries in the ExAC database. This sequence change replaces phenylalanine with tyrosine at codon 446 of the AHI1 protein (p.Phe446Tyr). The phenylalanine residue is highly conserved and there is a small physicochemical difference between phenylalanine and tyrosine.